The following is an entry in ClinVar:

ClinVar aggregate classification (germline): Uncertain significance (1 of 4 stars; one submission).

Conditions:
Asphyxiating thoracic dystrophy 3. Also called: SHORT-RIB THORACIC DYSPLASIA 3 WITH OR WITHOUT POLYDACTYLY; POLYDACTYLY WITH NEONATAL CHONDRODYSTROPHY, TYPE I; SHORT-RIB THORACIC DYSPLASIA 3/6 WITH POLYDACTYLY, DIGENIC; Short rib polydactyly syndrome 2B; Saldino-Noonan Syndrome. Identifiers: Orphanet 474, Orphanet 93269, Orphanet 93270, Orphanet 93271, MedGen C0036069, MONDO:0013127, OMIM 613091.

gnomAD v4.1: 2 of 1,613,120 alleles (0.00012%); highest among the groups gnomAD compares: Admixed American, 0.0033%; no homozygotes.

Submission:

3billion
Classification: Uncertain significance for Asphyxiating thoracic dystrophy 3. Last evaluated: 2024-07-12. Review status: criteria provided, single submitter. Criteria: ACMG Guidelines, 2015. Collection method: clinical testing. Allele origin: germline. Affected: yes.
Comment: The variant is observed at an extremely low frequency in the gnomAD v4.0.0 dataset (total allele frequency: <0.001%). Predicted Consequence/Location: Missense variant Damaging effect on gene or gene product predicted by in silico programs is uncertain [REVEL: 0.56 (damaging >=0.6, benign <0.4), 3Cnet: 0.56 (damaging >=0.6, benign <0.15)]. Therefore, this variant is classified as VUS according to the recommendation of ACMG/AMP guideline.

NM_001377.3(DYNC2H1):c.10064T>C (p.Ile3355Thr)

Gene: DYNC2H1 (dynein cytoplasmic 2 heavy chain 1; plus strand). Cytogenetic location: 11q22.3.
Variant type: single nucleotide variant.
Coding change: c.10064T>C on transcript NM_001377.3 (MANE Select); coding-DNA position 10064, T replaced by C.
Protein change: p.Ile3355Thr; replaces isoleucine 3355 with threonine.
Molecular consequence: missense variant.
Genome position (GRCh38, 1-based): chr11:103,253,306, T>C. VCF-style: chr11-103253306-T-C. GRCh37 (hg19) VCF-style: chr11-103124035-T-C.
Other names: c.10085T>C, p.Ile3362Thr (NM_001080463.2); short protein forms I3355T, I3362T.
Identifiers: ClinVar variation 4293358 (VCV004293358.1).